The following is an entry in ClinVar:

ClinVar aggregate classification (germline): Likely benign (1 of 4 stars; one submission).

Allele frequency attached by ClinVar (database versions not stated): gnomAD exomes below 0.00001; ExAC 0.00001.
gnomAD v4.1: 5 of 1,614,158 alleles (0.00031%); highest among the groups gnomAD compares: Middle Eastern, 0.066%; no homozygotes.

Submission:

CeGaT Center for Human Genetics Tuebingen
Classification: Likely benign. Last evaluated: 2023-01-01. Review status: criteria provided, single submitter. Criteria: CeGaT Center For Human Genetics Tuebingen Variant Classification Criteria Version 2. Collection method: clinical testing. Allele origin: germline. Affected: yes. Observed: 1 variant allele.
Comment: CDK10: BP4, BP7

NM_052988.5(CDK10):c.570C>T (p.Val190=)

Gene: CDK10 (cyclin dependent kinase 10; plus strand). Cytogenetic location: 16q24.3.
Variant type: single nucleotide variant.
Coding change: c.570C>T on transcript NM_052988.5 (MANE Select); coding-DNA position 570, C replaced by T.
Protein change: p.Val190=; no amino-acid change (valine 190 retained).
Molecular consequence: synonymous variant. On other transcripts: non-coding transcript variant (2).
Genome position (GRCh38, 1-based): chr16:89,693,429, C>T. VCF-style: chr16-89693429-C-T. GRCh37 (hg19) VCF-style: chr16-89759837-C-T.
Other names: c.357C>T, p.Val119= (NM_001098533.3, NM_001160367.2, NM_052987.4).
Identifiers: ClinVar variation 2647127 (VCV002647127.24), dbSNP rs779845266, ClinGen allele CA8247983.
Genomic context (GRCh38, chr16:89,693,429, plus strand): 5'-GGTGACACACACTCCCCTCTCTGCTGCAGCGGATTTCGGCCTGGCCCGGGCCTATGGTGT[C>T]CCAGTAAAGCCAATGACCCCCAAGGTGGTCACTCTCTGGTAAGTCCTTCTGAAGCATGGT-3'
Protein context (NP_443714.3, residues 180-200): ADFGLARAYG[Val190=]PVKPMTPKVV